The following is an entry in ClinVar:

ClinVar aggregate classification (germline): Pathogenic/Likely pathogenic. Review status: criteria provided, multiple submitters, no conflicts (2 of 4 stars). 2 submissions from 2 submitters: Pathogenic (1); Likely pathogenic (1). Last evaluated 2023-08-16.

Conditions:
Neurofibromatosis, type 1 (NF1). Also called: Peripheral type neurofibromatosis; NEUROFIBROMATOSIS, TYPE I, SOMATIC; VON RECKLINGHAUSEN DISEASE; Neurofibromatosis, type I. Identifiers: Orphanet 636, MedGen C0027831, MONDO:0018975, OMIM 162200. Disease mechanism: loss of function.

Submissions (2):

Labcorp Genetics (formerly Invitae), Labcorp
Classification: Pathogenic for Neurofibromatosis, type 1. Last evaluated: 2023-08-16. Review status: criteria provided, single submitter. Criteria: Invitae Variant Classification Sherloc (09022015). Collection method: clinical testing. Allele origin: germline.
Comment: Disruption of this splice site has been observed in individual(s) with neurofibromatosis type I (PMID: 30014477). For these reasons, this variant has been classified as Pathogenic. Algorithms developed to predict the effect of sequence changes on RNA splicing suggest that this variant may disrupt the consensus splice site. This variant is not present in population databases (gnomAD no frequency). This sequence change affects an acceptor splice site in intron 24 of the NF1 gene. It is expected to disrupt RNA splicing. Variants that disrupt the donor or acceptor splice site typically lead to a loss of protein function (PMID: 16199547), and loss-of-function variants in NF1 are known to be pathogenic (PMID: 10712197, 23913538).

Juno Genomics, Hangzhou Juno Genomics, Inc
Classification: Likely pathogenic for Neurofibromatosis, type 1. Review status: criteria provided, single submitter. Criteria: ACMG Guidelines, 2015. Collection method: clinical testing. Allele origin: germline. Affected: yes.
Comment: Null variant in a gene where loss of function (LOF) is a known mechanism of disease.;Absent from controls (or at extremely low frequency if recessive) in Genome Aggregation Database, Exome Sequencing Project, 1000 Genomes Project, or Exome Aggregation Consortium.;Assumed de novo, but without confirmation of paternity and maternity.;Patient's phenotype or family history is highly specific for a disease with a single genetic etiology.

Literature cited by the submitters: PubMed 30014477 (cited by Labcorp Genetics (formerly Invitae), Labcorp); PubMed 16199547 (cited by Labcorp Genetics (formerly Invitae), Labcorp); PubMed 10712197 (cited by Labcorp Genetics (formerly Invitae), Labcorp); PubMed 23913538 (cited by Labcorp Genetics (formerly Invitae), Labcorp).

NM_001042492.3(NF1):c.3198-1G>C

Gene: NF1 (neurofibromin 1; plus strand). Cytogenetic location: 17q11.2.
Variant type: single nucleotide variant.
Coding change: c.3198-1G>C on transcript NM_001042492.3 (MANE Select); the canonical splice acceptor site of the intron before coding-DNA position 3198, G replaced by C.
Molecular consequence: splice acceptor variant.
Genome position (GRCh38, 1-based): chr17:31,232,072, G>C. VCF-style: chr17-31232072-G-C. GRCh37 (hg19) VCF-style: chr17-29559090-G-C.
Other names: c.3198-1G>C (NM_000267.4).
Identifiers: ClinVar variation 2743801 (VCV002743801.5), dbSNP rs1223905930, ClinGen allele CA398988501.